The following is an entry in ClinVar:

ClinVar aggregate classification (germline): Benign/Likely benign. Review status: criteria provided, multiple submitters, no conflicts (2 of 4 stars). 3 submissions from 3 submitters: Benign (1); Likely benign (2). Last evaluated 2024-07-25.

Conditions:
Hereditary cancer-predisposing syndrome. Also called: Hereditary neoplastic syndrome; Neoplastic Syndromes, Hereditary; Tumor predisposition; Hereditary Cancer Syndrome. Identifiers: Orphanet 140162, MedGen C0027672, MeSH D009386, MONDO:0015356.
Familial cancer of breast. Also called: BREAST CANCER, FAMILIAL; hereditary breast carcinoma; Hereditary breast cancer. Identifiers: Orphanet 227535, MedGen C0346153, MONDO:0016419, OMIM 114480. Disease mechanism: loss of function.

Submissions (3):

Myriad Genetics, Inc.
Classification: Benign for Familial cancer of breast. Last evaluated: 2024-07-25. Review status: criteria provided, single submitter. Criteria: Myriad Autosomal Dominant, Autosomal Recessive and X-Linked Classification Criteria (2023). Collection method: clinical testing. Allele origin: unknown.
Comment: This variant is considered benign. This variant is a silent/synonymous amino acid change and it is not expected to impact splicing.

Labcorp Genetics (formerly Invitae), Labcorp
Classification: Likely benign for Familial cancer of breast. Last evaluated: 2020-10-09. Review status: criteria provided, single submitter. Criteria: Invitae Variant Classification Sherloc (09022015). Collection method: clinical testing. Allele origin: germline.

Ambry Genetics
Classification: Likely benign for Hereditary cancer-predisposing syndrome. Last evaluated: 2020-08-16. Review status: criteria provided, single submitter. Criteria: Ambry Variant Classification Scheme 2023. Collection method: clinical testing. Allele origin: germline.

NM_000465.4(BARD1):c.1558A>C (p.Arg520=)

Gene: BARD1 (BRCA1 associated RING domain 1; minus strand). Cytogenetic location: 2q35.
Variant type: single nucleotide variant.
Coding change: c.1558A>C on transcript NM_000465.4 (MANE Select); coding-DNA position 1558, A replaced by C.
Protein change: p.Arg520=; no amino-acid change (arginine 520 retained).
Molecular consequence: synonymous variant. On other transcripts: non-coding transcript variant (3), intron variant (3).
Genome position (GRCh38, 1-based): chr2:214,767,492, T>G on the plus strand (A>C on the coding strand, the complement: BARD1 is on the minus strand). VCF-style: chr2-214767492-T-G. GRCh37 (hg19) VCF-style: chr2-215632216-T-G.
Other names: c.1501A>C, p.Arg501= (NM_001282543.2); c.159-14937A>C (NM_001282548.2); c.216-14937A>C (NM_001282545.2); c.364+24805A>C (NM_001282549.2).
Identifiers: ClinVar variation 1124494 (VCV001124494.13), dbSNP rs2106076200, ClinGen allele CA431128889.